The following is an entry in ClinVar:

ClinVar aggregate classification (germline): Uncertain significance (1 of 4 stars; one submission).

Submission:

Centre of Medical Genetics, University Hospital Muenster
Classification: Uncertain significance. Last evaluated: 2021-12-21. Review status: criteria provided, single submitter. Criteria: ACMG Guidelines, 2015. Collection method: clinical testing. Allele origin: unknown. Affected: yes. Observed: 1 variant allele, 1 heterozygote.
Comment: ACMG categories: PM2,PP3

NM_000098.3(CPT2):c.1127A>G (p.Asp376Gly)

Gene: CPT2 (carnitine palmitoyltransferase 2; plus strand). Cytogenetic location: 1p32.3.
Variant type: single nucleotide variant.
Coding change: c.1127A>G on transcript NM_000098.3 (MANE Select); coding-DNA position 1127, A replaced by G.
Protein change: p.Asp376Gly; replaces aspartic acid 376 with glycine.
Molecular consequence: missense variant.
Genome position (GRCh38, 1-based): chr1:53,210,801, A>G. VCF-style: chr1-53210801-A-G. GRCh37 (hg19) VCF-style: chr1-53676473-A-G.
Other names: c.1127A>G, p.Asp376Gly (NM_001330589.2); short protein forms D376G.
Identifiers: ClinVar variation 1708346 (VCV001708346.3), dbSNP rs2525589351, ClinGen allele CA340394575.
Genomic context (GRCh38, chr1:53,210,801, plus strand): 5'-TTAACCTCATTATCGCCAAGGATGGCTCTACTGCCGTCCACTTTGAGCACTCTTGGGGTG[A>G]TGGTGTGGCAGTGCTCAGATTTTTTAATGAAGTATTTAAAGACAGCACTCAGACCCCTGC-3'
Protein context (NP_000089.1, residues 366-386): TAVHFEHSWG[Asp376Gly]GVAVLRFFNE